The following is an entry in ClinVar:

ClinVar aggregate classification (germline): Benign/Likely benign. Review status: criteria provided, multiple submitters, no conflicts (2 of 4 stars). 2 submissions from 2 submitters: Benign (1); Likely benign (1). Last evaluated 2026-01-26.

Conditions:
USP53-related disorder. Also called: USP53-related condition.

Allele frequency attached by ClinVar (database versions not stated): 1000 Genomes Project 30x 0.00031; 1000 Genomes Project 0.00040.
gnomAD v4.1: 316 of 1,613,968 alleles (0.02%); highest among the groups gnomAD compares: South Asian, 0.29%; 4 homozygotes.

Submissions (2):

PreventionGenetics, part of Exact Sciences
Classification: Likely benign for USP53-related condition. Last evaluated: 2026-01-26. Review status: criteria provided, single submitter. Criteria: ACMG Guidelines, 2015. Collection method: clinical testing. Allele origin: germline.
Comment: This variant is classified as likely benign based on ACMG/AMP sequence variant interpretation guidelines (Richards et al. 2015 PMID: 25741868, with internal and published modifications).

Labcorp Genetics (formerly Invitae), Labcorp
Classification: Benign. Last evaluated: 2023-06-27. Review status: criteria provided, single submitter. Criteria: Invitae Variant Classification Sherloc (09022015). Collection method: clinical testing. Allele origin: germline.

NM_001371395.1(USP53):c.2525C>T (p.Pro842Leu)

Gene: USP53 (ubiquitin specific peptidase 53; plus strand). Cytogenetic location: 4q26.
Variant type: single nucleotide variant.
Coding change: c.2525C>T on transcript NM_001371395.1 (MANE Select); coding-DNA position 2525, C replaced by T.
Protein change: p.Pro842Leu; replaces proline 842 with leucine.
Molecular consequence: missense variant. On other transcripts: 3 prime UTR variant (4).
Genome position (GRCh38, 1-based): chr4:119,292,514, C>T. VCF-style: chr4-119292514-C-T. GRCh37 (hg19) VCF-style: chr4-120213669-C-T.
Other names: c.2372C>T, p.Pro791Leu (NM_001371396.1, NM_001389661.1); c.*25C>T (NM_001371397.1, NM_001371398.1, NM_001389666.1 and 1 more transcripts); c.2525C>T, p.Pro842Leu (NM_001371399.1, NM_001389658.1, NM_001389659.1 and 1 more transcripts); c.2375C>T, p.Pro792Leu (NM_001389660.1); c.2177C>T, p.Pro726Leu (NM_001389662.1, NM_001389663.1, NM_001389664.1); c.2024C>T, p.Pro675Leu (NM_001389665.1); c.2525C>T (NM_019050.2); short protein forms P675L, P726L, P842L, P791L, P792L.
Identifiers: ClinVar variation 2919719 (VCV002919719.4), dbSNP rs371137416, ClinGen allele CA3059401.